The following is an entry in ClinVar:

NM_001128.6(AP1G1):c.77_84del (p.Met26fs)

Gene: AP1G1 (adaptor related protein complex 1 subunit gamma 1; minus strand). Cytogenetic location: 16q22.2.
Variant type: Deletion.
Coding change: c.77_84del on transcript NM_001128.6 (MANE Select); coding-DNA positions 77 to 84, 8 bases deleted (TGATCCAG; older notation c.77_84delTGATCCAG).
Protein change: p.Met26fs; shifts the reading frame from methionine 26.
Molecular consequence: frameshift variant.
Genome position (GRCh38, 1-based): chr16:71,789,396-71,789,403, CTGGATCA deleted on the plus strand (TGATCCAG on the coding strand, the reverse complement: AP1G1 is on the minus strand). VCF-style (leftmost placement, unchanged base first): chr16-71789395-TCTGGATCA-T. GRCh37 (hg19) VCF-style: chr16-71823298-TCTGGATCA-T.
Other names: c.77_84del, p.Met26fs (NM_001030007.2); short protein forms M26fs.
Identifiers: ClinVar variation 4685130 (VCV004685130.1).

ClinVar aggregate classification (germline): Pathogenic (1 of 4 stars; one submission).

Submission:

GeneDx
Classification: Pathogenic. Last evaluated: 2024-12-06. Review status: criteria provided, single submitter. Criteria: GeneDx Variant Classification Process June 2021. Collection method: clinical testing. Allele origin: germline. Affected: yes.
Comment: Frameshift variant predicted to result in protein truncation or nonsense mediated decay in a gene for which loss of function is a known mechanism of disease; Not observed at significant frequency in large population cohorts (gnomAD); Has not been previously published as pathogenic or benign to our knowledge